The following is an entry in ClinVar:

ClinVar aggregate classification (germline): Uncertain significance (1 of 4 stars; one submission).

Conditions:
Cardiovascular phenotype. Identifiers: MedGen CN230736.

Allele frequency attached by ClinVar (database versions not stated): gnomAD exomes below 0.00001.
gnomAD v4.1: 2 of 1,208,863 alleles (0.00017%); highest among the groups gnomAD compares: Non-Finnish European, 0.00022%; no homozygotes.

Submission:

Ambry Genetics
Classification: Uncertain significance for Cardiovascular phenotype. Last evaluated: 2021-10-29. Review status: criteria provided, single submitter. Criteria: Ambry Variant Classification Scheme 2023. Collection method: clinical testing. Allele origin: germline.
Comment: The p.D1887N variant (also known as c.5659G>A), located in coding exon 40 of the DMD gene, results from a G to A substitution at nucleotide position 5659. The aspartic acid at codon 1887 is replaced by asparagine, an amino acid with highly similar properties. This amino acid position is well conserved in available vertebrate species. In addition, this alteration is predicted to be tolerated by in silico analysis. Since supporting evidence is limited at this time, the clinical significance of this alteration remains unclear.

NM_004006.3(DMD):c.5659G>A (p.Asp1887Asn)

Gene: DMD (dystrophin; minus strand). Cytogenetic location: Xp21.1.
Variant type: single nucleotide variant.
Coding change: c.5659G>A on transcript NM_004006.3 (MANE Select); coding-DNA position 5659, G replaced by A.
Protein change: p.Asp1887Asn; replaces aspartic acid 1887 with asparagine.
Molecular consequence: missense variant.
Genome position (GRCh38, 1-based): chrX:32,343,214, C>T on the plus strand (G>A on the coding strand, the complement: DMD is on the minus strand). VCF-style: chrX-32343214-C-T. GRCh37 (hg19) VCF-style: chrX-32361331-C-T.
Other names: c.5635G>A, p.Asp1879Asn (NM_000109.4); c.5647G>A, p.Asp1883Asn (NM_004009.3); c.5290G>A, p.Asp1764Asn (NM_004010.3); c.1636G>A, p.Asp546Asn (NM_004011.4); c.1627G>A, p.Asp543Asn (NM_004012.4); short protein forms D1879N, D1887N, D546N, D1764N, D1883N, D543N.
Identifiers: ClinVar variation 1748901 (VCV001748901.2), dbSNP rs1360220925, ClinGen allele CA412665998.
Genomic context (GRCh38, chrX:32,343,214, plus strand): 5'-TGGGCTCAGGTAGGCTGGCTAATTTTTTTTCAATGTCATCCAAGCATTTCAGGAGATCAT[C>T]AGCCTGCCTCTTGTACTGATACCACTGATGAGAAATTTCTAGAGCCTTTTTTCTTCTTTG-3'
Protein context (NP_003997.2, residues 1877-1897): HQWYQYKRQA[Asp1887Asn]DLLKCLDDIE